The following is an entry in ClinVar:

ClinVar aggregate classification (germline): Benign (0 of 4 stars; one submission).

Conditions:
MUC16-related disorder. Also called: MUC16-related condition.

Allele frequency attached by ClinVar (database versions not stated): 1000 Genomes Project 0.73323; gnomAD 0.73476; TOPMed 0.73476; ExAC 0.73824; 1000 Genomes Project 30x 0.74110; ESP Exome Variant Server 0.74197; gnomAD exomes 0.74216.

Submission:

PreventionGenetics, part of Exact Sciences
Classification: Benign for MUC16-related condition. Last evaluated: 2019-10-17. Review status: no assertion criteria provided. Collection method: clinical testing. Allele origin: germline.
Comment: This variant is classified as benign based on ACMG/AMP sequence variant interpretation guidelines (Richards et al. 2015 PMID: 25741868, with internal and published modifications).

NM_001401501.2(MUC16):c.42213T>C (p.Asp14071=)

Gene: MUC16 (mucin 16, cell surface associated; minus strand). Cytogenetic location: 19p13.2.
Variant type: single nucleotide variant.
Coding change: c.42213T>C on transcript NM_001401501.2 (MANE Select); coding-DNA position 42213, T replaced by C.
Protein change: p.Asp14071=; no amino-acid change (aspartic acid 14071 retained).
Molecular consequence: synonymous variant.
Genome position (GRCh38, 1-based): chr19:8,895,043, A>G on the plus strand (T>C on the coding strand, the complement: MUC16 is on the minus strand). VCF-style: chr19-8895043-A-G. GRCh37 (hg19) VCF-style: chr19-9005719-A-G.
Other names: c.42639T>C, p.Asp14213= (NM_001414686.1); c.42093T>C, p.Asp14031= (NM_001414687.1); c.39687T>C, p.Asp13229= (NM_024690.2).
Identifiers: ClinVar variation 3060519 (VCV003060519.2), dbSNP rs4804375, ClinGen allele CA9163866.